The following is an entry in ClinVar:

ClinVar aggregate classification (germline): Benign. Review status: reviewed by expert panel (3 of 4 stars). 5 submissions from 5 submitters: Benign (1). 4 of the submissions do not count toward it. Last evaluated 2023-02-20.

Conditions:
CDKL5 disorder. Identifiers: MedGen CN296942, MONDO:0100039.
Developmental and epileptic encephalopathy, 2 (DEE2). Also called: CDKL5 deficiency disorder; INFANTILE SPASM SYNDROME, X-LINKED 2. Identifiers: Orphanet 1934, Orphanet 3451, Orphanet 505652, MedGen C4750718, MONDO:0010396, OMIM 300672.
Angelman syndrome-like. Identifiers: MedGen CN128785.

Allele frequency attached by ClinVar (database versions not stated): ExAC 0.00001; gnomAD exomes 0.00001 and 0.00002; TOPMed 0.00004; gnomAD 0.00005 and 0.00006.
gnomAD v4.1: 33 of 1,209,733 alleles (0.0027%); highest among the groups gnomAD compares: Middle Eastern, 0.023%; no homozygotes.

Submissions (5):

ClinGen Rett and Angelman-like Disorders Variant Curation Expert Panel
Classification: Benign for CDKL5 disorder. Last evaluated: 2023-02-20. Review status: reviewed by expert panel. Criteria: ClinGen RettAS ACMG Specifications V2. Collection method: curation. Allele origin: germline. Inheritance: X-linked inheritance.
Comment: The allele frequency of the p.Leu522Val variant in CDKL5 is 0.011% in European Non-Finnish sub population in gnomAD, which is high enough to meet the BS1 criteria based on thresholds defined by the ClinGen Rett/Angelman-like Expert Panel for Rett/AS-like conditions (BS1). Additionally, the p.Leu522Val variant is observed in at least 2 unaffected individuals (internal database - GeneDx, internal database - Ambry Genetics) (BS2) and is found in a patient with an alternate molecular basis of disease (internal database - GeneDx) (BP5). In summary, the p.Leu522Val variant in CDKL5 is classified as Benign for CDKL5-associated disorder according to ACMG/AMP criteria (BS1, BS2, BP5).

CeGaT Center for Human Genetics Tuebingen
Classification: Likely benign. Last evaluated: 2026-06-01. Review status: criteria provided, single submitter. Criteria: CeGaT Center For Human Genetics Tuebingen Variant Classification Criteria Version 2. Collection method: clinical testing. Allele origin: germline. Affected: yes. Observed: 3 variant alleles. Not counted in ClinVar's aggregate classification.
Comment: CDKL5: BS2

Labcorp Genetics (formerly Invitae), Labcorp
Classification: Likely benign for Developmental and epileptic encephalopathy, 2; Angelman syndrome-like. Last evaluated: 2024-12-04. Review status: criteria provided, single submitter. Criteria: Invitae Variant Classification Sherloc (09022015). Collection method: clinical testing. Allele origin: germline. Not counted in ClinVar's aggregate classification.

GeneDx
Classification: Likely benign. Last evaluated: 2018-06-15. Review status: criteria provided, single submitter. Criteria: GeneDx Variant Classification (06012015). Collection method: clinical testing. Allele origin: germline. Affected: yes. Not counted in ClinVar's aggregate classification.
Comment: This variant is considered likely benign or benign based on one or more of the following criteria: it is a conservative change, it occurs at a poorly conserved position in the protein, it is predicted to be benign by multiple in silico algorithms, and/or has population frequency not consistent with disease.

Genetic Services Laboratory, University of Chicago
Classification: Uncertain significance. Last evaluated: 2016-08-19. Review status: criteria provided, single submitter. Criteria: ACMG Guidelines, 2015. Collection method: clinical testing. Allele origin: germline. Affected: no. Not counted in ClinVar's aggregate classification.

NM_001323289.2(CDKL5):c.1564T>G (p.Leu522Val)

Gene: CDKL5 (cyclin dependent kinase like 5; plus strand). Cytogenetic location: Xp22.13.
Variant type: single nucleotide variant.
Coding change: c.1564T>G on transcript NM_001323289.2 (MANE Select); coding-DNA position 1564, T replaced by G.
Protein change: p.Leu522Val; replaces leucine 522 with valine.
Molecular consequence: missense variant.
Genome position (GRCh38, 1-based): chrX:18,604,488, T>G. VCF-style: chrX-18604488-T-G. GRCh37 (hg19) VCF-style: chrX-18622608-T-G.
Other names: NM_001323289.2(CDKL5):c.1564T>G; p.Leu522Val; c.1564T>G, p.Leu522Val (NM_001037343.2, NM_003159.3); short protein forms L522V.
Identifiers: ClinVar variation 434664 (VCV000434664.56), dbSNP rs781427744, ClinGen allele CA10360394.
Genomic context (GRCh38, chrX:18,604,488, plus strand): 5'-TCTGAAGCCAGGGCCCAAATTGCGGAGCCCAGTACCAGTAGGTACTTCCCATCTAGCTGC[T>G]TAGACTTGAATTCTCCCACCAGCCCAACCCCCACCAGACACAGTGACACGAGAACTTTGC-3'
Protein context (NP_001310218.1, residues 512-532): STSRYFPSSC[Leu522Val]DLNSPTSPTP